The following is an entry in ClinVar:

ClinVar aggregate classification (germline): Benign/Likely benign. Review status: criteria provided, multiple submitters, no conflicts (2 of 4 stars). 7 submissions from 7 submitters: Benign (2); Likely benign (3). 2 of the submissions do not count toward it. Last evaluated 2026-02-02.

Conditions:
Arrhythmogenic cardiomyopathy with wooly hair and keratoderma. Also called: PALMOPLANTAR KERATODERMA WITH LEFT VENTRICULAR CARDIOMYOPATHY AND WOOLLY HAIR; Dilated cardiomyopathy with woolly hair and keratoderma; Arrhythmogenic cardiomyopathy with woolly hair and keratoderma; Carvajal syndrome. Identifiers: Orphanet 65282, MedGen C1854063, MONDO:0011581, OMIM 605676.
Arrhythmogenic right ventricular dysplasia 8 (ARVD8). Also called: Arrhythmogenic Right Ventricular Dysplasia/Cardiomyopathy 8; ARRHYTHMOGENIC RIGHT VENTRICULAR DYSPLASIA, FAMILIAL, 8; ARRHYTHMOGENIC RIGHT VENTRICULAR CARDIOMYOPATHY 8. Identifiers: MedGen C1843896, MONDO:0011831, OMIM 607450.

Allele frequency attached by ClinVar (database versions not stated): gnomAD exomes 0.00011 and 0.00029; ExAC 0.00034; 1000 Genomes Project 0.00060; 1000 Genomes Project 30x 0.00078; TOPMed 0.00100; gnomAD 0.00113 and 0.00118; ESP Exome Variant Server 0.00115.
gnomAD v4.1: 333 of 1,613,690 alleles (0.021%); highest among the groups gnomAD compares: African/African-American, 0.42%; 2 homozygotes.

Submissions (7):

Labcorp Genetics (formerly Invitae), Labcorp
Classification: Benign for Arrhythmogenic cardiomyopathy with wooly hair and keratoderma; Arrhythmogenic right ventricular dysplasia 8. Last evaluated: 2026-02-02. Review status: criteria provided, single submitter. Criteria: Invitae Variant Classification Sherloc (09022015). Collection method: clinical testing. Allele origin: germline.

ARUP Laboratories, Molecular Genetics and Genomics, ARUP Laboratories
Classification: Likely benign. Last evaluated: 2025-04-09. Review status: criteria provided, single submitter. Criteria: ARUP Molecular Germline Variant Investigation Process 2024. Collection method: clinical testing. Allele origin: germline.

Women's Health and Genetics/Laboratory Corporation of America, LabCorp
Classification: Benign. Last evaluated: 2024-09-29. Review status: criteria provided, single submitter. Criteria: LabCorp Variant Classification Summary - May 2015. Collection method: clinical testing. Allele origin: germline.

Blueprint Genetics
Classification: Likely benign. Last evaluated: 2024-07-18. Review status: criteria provided, single submitter. Criteria: ACMG Guidelines, 2015. Collection method: clinical testing. Allele origin: germline.

GeneDx
Classification: Likely benign. Last evaluated: 2017-02-02. Review status: criteria provided, single submitter. Criteria: GeneDx Variant Classification (06012015). Collection method: clinical testing. Allele origin: germline. Affected: yes.
Comment: This variant is considered likely benign or benign based on one or more of the following criteria: it is a conservative change, it occurs at a poorly conserved position in the protein, it is predicted to be benign by multiple in silico algorithms, and/or has population frequency not consistent with disease.

Clinical Genetics, Academic Medical Center
Classification: Benign. Review status: no assertion criteria provided. Collection method: clinical testing. Allele origin: germline. Affected: yes. Study: VKGL Data-share Consensus. Not counted in ClinVar's aggregate classification.

Diagnostic Laboratory, Department of Genetics, University Medical Center Groningen
Classification: Likely benign. Review status: no assertion criteria provided. Collection method: clinical testing. Allele origin: germline. Affected: yes. Study: VKGL Data-share Consensus. Not counted in ClinVar's aggregate classification.

NM_004415.4(DSP):c.939+17C>T

Gene: DSP (desmoplakin; plus strand). Cytogenetic location: 6p24.3.
Variant type: single nucleotide variant.
Coding change: c.939+17C>T on transcript NM_004415.4 (MANE Select); 17 bases into the intron after coding-DNA position 939, C replaced by T.
Molecular consequence: intron variant.
Genome position (GRCh38, 1-based): chr6:7,565,537, C>T. VCF-style: chr6-7565537-C-T. GRCh37 (hg19) VCF-style: chr6-7565770-C-T.
Other names: c.939+17C>T (LRG_423t1, NM_001319034.2, NM_001008844.3).
Identifiers: ClinVar variation 380258 (VCV000380258.15), dbSNP rs140481492, ClinGen allele CA053088.